The following is an entry in ClinVar:

NC_000007.13:g.(66098432_66103239)_(66108217_?)dup

Gene: KCTD7 (potassium channel tetramerization domain containing 7; plus strand). Cytogenetic location: 7q11.21.
Variant type: Duplication.
Identifiers: ClinVar variation 1343748 (VCV001343748.2).

ClinVar aggregate classification (germline): Likely benign (1 of 4 stars; one submission).

Submission:

Women's Health and Genetics/Laboratory Corporation of America, LabCorp
Classification: Likely benign. Last evaluated: 2023-04-04. Review status: criteria provided, single submitter. Criteria: LabCorp Variant Classification Summary - May 2015. Collection method: clinical testing. Allele origin: germline.
Comment: Variant summary: The variant identified by MLPA or other technology involves the duplication of exons 3-4, which are the last two exons of the KCTD7 gene. A presumed nomenclature of c.(314+1_315-1)_(*3998_?)dup has been designated for the purposes of this classification. It has been assumed that this is a tandem duplication in direct orientation (Richardson_GIM_2018, Newman_AJHG_2015). Since the exact breakpoints of this duplication are not known, it is not possible to predict the protein level effect of this variant. A variant involving the duplication of exons 3-4 together with a large (~30 kb) DNA segment extending downstream of the gene, was found at a frequency of 0.0093 in 21664 control chromosomes, predominantly at a frequency of 0.02 within the African or African-American subpopulation in the gnomAD database, including 29 homozygotes. The observed variant frequency within African or African-American control individuals in the gnomAD database is approximately 50-fold of the estimated maximal expected allele frequency for a pathogenic variant in KCTD7 causing Neuronal Ceroid-Lipofuscinosis (Batten Disease) phenotype (0.00035), strongly suggesting that the variant is a benign polymorphism. A variant, described as c.(314+1_315-1)_(*3998_?)dup (Ex 3-4 dup), has also been reported in a been reported in the literature in a homozygous patient, who was affected with epilepsy and ataxia, which belongs to the Neuronal Ceroid-Lipofuscinosis (Batten Disease) symptom spectrum (Ganapathy_2019), however no exact breakpoints for this duplication were specified, and no supportive evidence for causality has been provided. This report therefore does not provide unequivocal conclusions about association of the variant with Neuronal Ceroid-Lipofuscinosis (Batten Disease). To our knowledge, no experimental evidence demonstrating an impact on protein function has been reported. One clinical diagnostic laboratory has submitted clinical-significance assessments for this variant to ClinVar after 2014 without evidence for independent evaluation, and classified the variant as likely benign. Based on the evidence outlined above, the reported large duplication variant (gnomAD) and similar variants is size, were classified as likely benign.

Literature cited by the submitters: PubMed 31069529.